The following is an entry in ClinVar:

NM_001709.5(BDNF):c.49A>G (p.Lys17Glu)

Genes: BDNF (brain derived neurotrophic factor; minus strand), BDNF-AS (BDNF antisense RNA; plus strand). Cytogenetic location: 11p14.1.
Variant type: single nucleotide variant.
Coding change: c.49A>G on transcript NM_001709.5 (MANE Select); coding-DNA position 49, A replaced by G.
Protein change: p.Lys17Glu; replaces lysine 17 with glutamic acid.
Molecular consequence: missense variant.
Genome position (GRCh38, 1-based): chr11:27,658,516, T>C on the plus strand (A>G on the coding strand, the complement: BDNF is on the minus strand). VCF-style: chr11-27658516-T-C. GRCh37 (hg19) VCF-style: chr11-27680063-T-C.
Other names: c.49A>G, p.Lys17Glu (NM_001143805.1, NM_001143806.1, NM_001143807.2 and 9 more transcripts); c.136A>G, p.Lys46Glu (NM_001143809.2); c.295A>G, p.Lys99Glu (NM_001143810.2); c.73A>G, p.Lys25Glu (NM_170731.5); c.94A>G, p.Lys32Glu (NM_170734.4); short protein forms K17E, K25E, K46E, K32E, K99E.
Identifiers: ClinVar variation 2098530 (VCV002098530.4), dbSNP rs750397219, ClinGen allele CA5929146.
Genomic context (GRCh38, chr11:27,658,516, plus strand): 5'-CACCTGGGTAGGCCAAGCCACCTTGTCCTCGGATGTTTGCTTCTTTCATGGGGGCAGCCT[T>C]CATGCAACCAAAGTATGAAATAACCATAGTAAGGAAAAGGATGGTCATCACTCTTCTCAC-3'
Protein context (NP_001700.2, residues 7-27): TMVISYFGCM[Lys17Glu]AAPMKEANIR

ClinVar aggregate classification (germline): Uncertain significance (1 of 4 stars; one submission).

Allele frequency attached by ClinVar (database versions not stated): ExAC 0.00001; gnomAD 0.00001; TOPMed 0.00001.

Submission:

Labcorp Genetics (formerly Invitae), Labcorp
Classification: Uncertain significance. Last evaluated: 2022-07-30. Review status: criteria provided, single submitter. Criteria: Invitae Variant Classification Sherloc (09022015). Collection method: clinical testing. Allele origin: germline.
Comment: This variant has not been reported in the literature in individuals affected with BDNF-related conditions. In summary, the available evidence is currently insufficient to determine the role of this variant in disease. Therefore, it has been classified as a Variant of Uncertain Significance. Algorithms developed to predict the effect of missense changes on protein structure and function are either unavailable or do not agree on the potential impact of this missense change (SIFT: "Deleterious"; PolyPhen-2: "Not Available"; Align-GVGD: "Class C15"). This variant is present in population databases (rs750397219, gnomAD 0.01%). This sequence change replaces lysine, which is basic and polar, with glutamic acid, which is acidic and polar, at codon 17 of the BDNF protein (p.Lys17Glu).